The following is an entry in ClinVar:

NM_001004320.2(AGMO):c.322A>C (p.Asn108His)

Gene: AGMO (alkylglycerol monooxygenase; minus strand). Cytogenetic location: 7p21.2.
Variant type: single nucleotide variant.
Coding change: c.322A>C on transcript NM_001004320.2 (MANE Select); coding-DNA position 322, A replaced by C.
Protein change: p.Asn108His; replaces asparagine 108 with histidine.
Molecular consequence: missense variant.
Genome position (GRCh38, 1-based): chr7:15,544,859, T>G on the plus strand (A>C on the coding strand, the complement: AGMO is on the minus strand). VCF-style: chr7-15544859-T-G. GRCh37 (hg19) VCF-style: chr7-15584484-T-G.
Other names: short protein forms N108H.
Identifiers: ClinVar variation 3364746 (VCV003364746.1).

ClinVar aggregate classification (germline): Uncertain significance (1 of 4 stars; one submission).

gnomAD v4.1: 5 of 1,608,044 alleles (0.00031%); highest among the groups gnomAD compares: South Asian, 0.0055%; no homozygotes.

Submission:

GeneDx
Classification: Uncertain significance. Last evaluated: 2023-11-29. Review status: criteria provided, single submitter. Criteria: GeneDx Variant Classification Process June 2021. Collection method: clinical testing. Allele origin: germline. Affected: yes.
Comment: Not observed at significant frequency in large population cohorts (gnomAD); In silico analysis supports that this missense variant does not alter protein structure/function; Has not been previously published as pathogenic or benign to our knowledge